The following is an entry in ClinVar:

NM_006610.4(MASP2):c.234+13C>T

Gene: MASP2 (MBL associated serine protease 2; minus strand). Cytogenetic location: 1p36.22.
Variant type: single nucleotide variant.
Coding change: c.234+13C>T on transcript NM_006610.4 (MANE Select); 13 bases into the intron after coding-DNA position 234, C replaced by T.
Molecular consequence: intron variant.
Genome position (GRCh38, 1-based): chr1:11,046,878, G>A on the plus strand (C>T on the coding strand, the complement: MASP2 is on the minus strand). VCF-style: chr1-11046878-G-A. GRCh37 (hg19) VCF-style: chr1-11106935-G-A.
Other names: c.234+13C>T (NM_139208.3).
Identifiers: ClinVar variation 291809 (VCV000291809.32), dbSNP rs72647262, ClinGen allele CA587223.

ClinVar aggregate classification (germline): Benign/Likely benign. Review status: criteria provided, multiple submitters, no conflicts (2 of 4 stars). 5 submissions from 5 submitters: Benign (1); Likely benign (4). Last evaluated 2026-07-01.

Conditions:
Immunodeficiency due to MASP-2 deficiency. Also called: LECTIN COMPLEMENT ACTIVATION PATHWAY, DEFECT IN, 2; MASP2 deficiency. Identifiers: Orphanet 331187, MedGen C3151085, MONDO:0013423, OMIM 613791.

Allele frequency attached by ClinVar (database versions not stated): 1000 Genomes Project 0.00379; 1000 Genomes Project 30x 0.00390; gnomAD 0.00484 and 0.00557; ESP Exome Variant Server 0.00519; ExAC 0.00645; TOPMed 0.00665.
gnomAD v4.1: 10,077 of 1,558,948 alleles (0.65%); highest among the groups gnomAD compares: Non-Finnish European, 0.77%; 59 homozygotes.

Submissions (5):

CeGaT Center for Human Genetics Tuebingen
Classification: Likely benign. Last evaluated: 2026-07-01. Review status: criteria provided, single submitter. Criteria: CeGaT Center For Human Genetics Tuebingen Variant Classification Criteria Version 2. Collection method: clinical testing. Allele origin: germline. Affected: yes. Observed: 3 variant alleles.
Comment: MASP2: BS2

Women's Health and Genetics/Laboratory Corporation of America, LabCorp
Classification: Benign. Last evaluated: 2026-01-22. Review status: criteria provided, single submitter. Criteria: LabCorp Variant Classification Summary - May 2015. Collection method: clinical testing. Allele origin: germline.

Blueprint Genetics
Classification: Likely benign. Last evaluated: 2024-11-26. Review status: criteria provided, single submitter. Criteria: ACMG Guidelines, 2015. Collection method: clinical testing. Allele origin: germline.

Illumina Laboratory Services, Illumina
Classification: Likely benign for Immunodeficiency due to MASP-2 deficiency. Last evaluated: 2018-01-13. Review status: criteria provided, single submitter. Criteria: ICSL Variant Classification Criteria 13 December 2019. Collection method: clinical testing. Allele origin: germline.
Comment: This variant was observed in the ICSL laboratory as part of a predisposition screen in an ostensibly healthy population. It had not been previously curated by ICSL or reported in the Human Gene Mutation Database (HGMD: prior to June 1st, 2018), and was therefore a candidate for classification through an automated scoring system. Utilizing variant allele frequency, disease prevalence and penetrance estimates, and inheritance mode, an automated score was calculated to assess if this variant is too frequent to cause the disease. Based on the score and internal cut-off values, a variant classified as likely benign is not then subjected to further curation. The score for this variant resulted in a classification of likely benign for this disease.

Breakthrough Genomics
Classification: Likely benign. Review status: criteria provided, single submitter. Criteria: ACMG Guidelines, 2015. Collection method: not provided. Allele origin: germline. Inheritance: Autosomal recessive inheritance. Affected: yes.